The following is an entry in ClinVar:

ClinVar aggregate classification (germline): Uncertain significance (1 of 4 stars; one submission).

gnomAD v4.1: 1 of 1,614,088 alleles (0.000062%); highest among the groups gnomAD compares: Non-Finnish European, 0.000085%; no homozygotes.

Submission:

GeneDx
Classification: Uncertain significance. Last evaluated: 2014-01-27. Review status: criteria provided, single submitter. Criteria: GeneDx Variant Classification (06012015). Collection method: clinical testing. Allele origin: germline. Affected: yes.
Comment: p.Asn481Lys (AAC>AAA): c.1443 C>A in exon 8 of the EFHC1 gene (NM_018100.3). TheAsn481Lys missense change in the EFHC1 gene has not been published as a mutation, nor has it been reported as a benign polymorphism to our knowledge. It was not observed in approximately 6,500 individuals of European and African American ancestry in the NHLBI Exome Sequencing Project, indicating it is not a common benign variant in these populations. This variant is a semi-conservative amino acid substitution as these residues share similar properties, but differ in size, charge, or other properties which may impact the secondary structure of the protein. It alters a position that is not highly conserved across species, and in silico analysis is inconsistent with regard to the effect this variant may have on the protein structure/function. Therefore, based on the currently available information, it is unclear whether Asn481Lys is a disease-causing mutation or a rare benign variant. The variant is found in EPILEPSY panel(s).

NM_018100.4(EFHC1):c.1443C>A (p.Asn481Lys)

Gene: EFHC1 (EF-hand domain containing 1; plus strand). Cytogenetic location: 6p12.2.
Variant type: single nucleotide variant.
Coding change: c.1443C>A on transcript NM_018100.4 (MANE Select); coding-DNA position 1443, C replaced by A.
Protein change: p.Asn481Lys; replaces asparagine 481 with lysine.
Molecular consequence: missense variant. On other transcripts: non-coding transcript variant (1).
Genome position (GRCh38, 1-based): chr6:52,479,201, C>A. VCF-style: chr6-52479201-C-A. GRCh37 (hg19) VCF-style: chr6-52343999-C-A.
Other names: p.N481K:AAC>AAA; c.1386C>A, p.Asn462Lys (NM_001172420.2); short protein forms N481K, N462K.
Identifiers: ClinVar variation 205409 (VCV000205409.2), dbSNP rs186911667, ClinGen allele CA314452.